The following is an entry in ClinVar:

ClinVar aggregate classification (germline): Likely benign. Review status: criteria provided, single submitter (1 of 4 stars). 2 submissions from 1 submitter: Likely benign (2). Last evaluated 2018-02-22.

Conditions:
Hypertrophic cardiomyopathy 11. Also called: ACTC1-Related Familial Hypertrophic Cardiomyopathy. Identifiers: MedGen C2677506, MONDO:0012799, OMIM 612098.
Dilated cardiomyopathy 1R (CMD1R). Identifiers: Orphanet 154, Orphanet 54260, MedGen C3150681, MONDO:0013261, OMIM 613424.

Allele frequency attached by ClinVar (database versions not stated): 1000 Genomes Project 0.01877; gnomAD 0.01974 and 0.01837; TOPMed 0.02034; 1000 Genomes Project 30x 0.02108.

Submissions (2):

Illumina Laboratory Services, Illumina
Classification: Likely benign for Dilated cardiomyopathy 1R. Last evaluated: 2018-02-22. Review status: criteria provided, single submitter. Criteria: ICSL Variant Classification Criteria 13 December 2019. Collection method: clinical testing. Allele origin: germline.
Comment: This variant was observed as part of a predisposition screen in an ostensibly healthy population. A literature search was performed for the gene, cDNA change, and amino acid change (where applicable). No publications were found based on this search. Allele frequency data from public databases allowed determination this variant is unlikely to cause disease. Therefore, this variant is classified as likely benign.

Illumina Laboratory Services, Illumina
Classification: Likely benign for Hypertrophic cardiomyopathy 11. Last evaluated: 2018-02-22. Review status: criteria provided, single submitter. Criteria: ICSL Variant Classification Criteria 13 December 2019. Collection method: clinical testing. Allele origin: germline.
Comment: the same text as in the submission from Illumina Laboratory Services, Illumina above.

NM_005159.4(ACTC1):c.*868T>G

Genes: ACTC1 (actin alpha cardiac muscle 1; minus strand), GJD2-DT (GJD2 divergent transcript; plus strand). Cytogenetic location: 15q14.
Variant type: single nucleotide variant.
Coding change: c.*868T>G on transcript NM_005159.4; 868 bases downstream of the stop codon, T replaced by G.
Genome position (GRCh38, 1-based): chr15:34,789,544, A>C on the plus strand (T>G on the coding strand, the complement: ACTC1 is on the minus strand). VCF-style: chr15-34789544-A-C. GRCh37 (hg19) VCF-style: chr15-35081745-A-C.
Identifiers: ClinVar variation 315674 (VCV000315674.7), dbSNP rs80139141, ClinGen allele CA10635862.